The following is an entry in ClinVar:

NC_000007.13:g.(?_65546770)_(65557899_?)dup

Gene: ASL (argininosuccinate lyase; plus strand). Cytogenetic location: 7q11.21.
Variant type: Duplication.
Identifiers: ClinVar variation 2422199 (VCV002422199.3).

ClinVar aggregate classification (germline): Uncertain significance (1 of 4 stars; one submission).

Conditions:
Argininosuccinate lyase deficiency. Also called: ARGININOSUCCINIC ACID LYASE DEFICIENCY; ASL DEFICIENCY; Argininosuccinic aciduria. Identifiers: Orphanet 23, MedGen C0268547, MONDO:0008815, OMIM 207900, HP:0025630.

Submission:

Labcorp Genetics (formerly Invitae), Labcorp
Classification: Uncertain significance for Argininosuccinate lyase deficiency. Last evaluated: 2022-05-30. Review status: criteria provided, single submitter. Criteria: Invitae Variant Classification Sherloc (09022015). Collection method: clinical testing. Allele origin: germline.
Comment: This variant results in a copy number gain of the genomic region encompassing exon(s) 3-17 of the ASL gene. This region includes the termination codon of the gene. This copy number gain extends beyond the assayed region for this gene and therefore may encompass additional genes. As the precise location of this event is unknown, it may be in tandem or it may be located elsewhere in the genome. This variant has not been reported in the literature in individuals affected with ASL-related conditions. In summary, the available evidence is currently insufficient to determine the role of this variant in disease. Therefore, it has been classified as a Variant of Uncertain Significance.